The following is an entry in ClinVar:

ClinVar aggregate classification (germline): Pathogenic (1 of 4 stars; one submission).

Submission:

Labcorp Genetics (formerly Invitae), Labcorp
Classification: Pathogenic. Last evaluated: 2024-12-26. Review status: criteria provided, single submitter. Criteria: Invitae Variant Classification Sherloc (09022015). Collection method: clinical testing. Allele origin: germline.
Comment: This sequence change affects the initiator methionine of the BMP1 mRNA. The next in-frame methionine is located at codon 155. This variant is not present in population databases (gnomAD no frequency). This variant has not been reported in the literature in individuals affected with BMP1-related conditions. This variant disrupts a region of the BMP1 protein in which other variant(s) (p.Gly12Arg) have been determined to be pathogenic (PMID: 22482805, 24091809, 29499418). This suggests that this is a clinically significant region of the protein, and that variants that disrupt it are likely to be disease-causing. For these reasons, this variant has been classified as Pathogenic.

Literature cited by the submitters: PubMed 22482805; PubMed 24091809; PubMed 29499418.

NM_006129.5(BMP1):c.1A>C (p.Met1Leu)

Genes: BMP1 (bone morphogenetic protein 1; plus strand), LOC129999976 (ATAC-STARR-seq lymphoblastoid silent region 18982; plus strand). Cytogenetic location: 8p21.3.
Variant type: single nucleotide variant.
Coding change: c.1A>C on transcript NM_006129.5 (MANE Select); coding-DNA position 1, A replaced by C.
Protein change: p.Met1Leu; changes the start codon (methionine 1).
Molecular consequence: missense variant, initiator codon variant. On other transcripts: non-coding transcript variant (2).
Genome position (GRCh38, 1-based): chr8:22,165,406, A>C. VCF-style: chr8-22165406-A-C. GRCh37 (hg19) VCF-style: chr8-22022919-A-C.
Other names: c.1A>C, p.Met1Leu (NM_001199.4); short protein forms M1L.
Identifiers: ClinVar variation 3692495 (VCV003692495.2).
Genomic context (GRCh38, chr8:22,165,406, plus strand): 5'-CGAGAGGACGCCCTCCCCTGGCCTCCAGTGCGCCGCTTCCCTCGCCGCCGCCCCGCCAGC[A>C]TGCCCGGCGTGGCCCGCCTGCCGCTGCTGCTCGGGCTGCTGCTGCTCCCGCGTCCCGGCC-3'
Protein context (NP_006120.1, residues 1-11): [Met1Leu]PGVARLPLLL